The following is an entry in ClinVar:

NM_000352.6(ABCC8):c.987G>A (p.Lys329=)

Gene: ABCC8 (ATP binding cassette subfamily C member 8; minus strand). Cytogenetic location: 11p15.1.
Variant type: single nucleotide variant.
Coding change: c.987G>A on transcript NM_000352.6 (MANE Select); coding-DNA position 987, G replaced by A.
Protein change: p.Lys329=; no amino-acid change (lysine 329 retained).
Molecular consequence: synonymous variant. On other transcripts: non-coding transcript variant (1).
Genome position (GRCh38, 1-based): chr11:17,460,512, C>T on the plus strand (G>A on the coding strand, the complement: ABCC8 is on the minus strand). VCF-style: chr11-17460512-C-T. GRCh37 (hg19) VCF-style: chr11-17482059-C-T.
Other names: c.987G>A, p.Lys329= (NM_001287174.3, NM_001351295.2); c.984G>A, p.Lys328= (NM_001351296.2, NM_001351297.2).
Identifiers: ClinVar variation 765476 (VCV000765476.9), dbSNP rs1216809389, ClinGen allele CA473300495.
Genomic context (GRCh38, chr11:17,460,512, plus strand): 5'-TAGAGGGTGCCTTACCCTACCCCTGGGGCTGCCTACCTTGGGCTGGAAGACGTCGTTCTC[C>T]TTCCCAAGGTGGTCCACGATCCCAAAGATGCACAGTGGCCCGGCGAAGCCCAGCAGGTCG-3'
Protein context (NP_000343.2, residues 319-339): CIFGIVDHLG[Lys329=]ENDVFQPKTQ

ClinVar aggregate classification (germline): Conflicting classifications of pathogenicity. Review status: criteria provided, conflicting classifications (1 of 4 stars). 3 submissions from 2 submitters: Uncertain significance (2); Likely benign (1). Last evaluated 2018-08-11.

Conditions:
Maturity-onset diabetes of the young (MODY). Also called: Maturity onset diabetes mellitus in young. Identifiers: Orphanet 552, MedGen C0342276, MONDO:0018911, HP:0004904.
Transitory neonatal diabetes mellitus. Also called: Transient neonatal diabetes mellitus. Identifiers: MedGen C0342273, MONDO:0020525, HP:0008255.

Allele frequency attached by ClinVar (database versions not stated): gnomAD 0.00001; TOPMed 0.00001.
gnomAD v4.1: 1 of 1,614,054 alleles (0.000062%); highest among the groups gnomAD compares: East Asian, 0.0022%; no homozygotes.

Submissions (3):

Labcorp Genetics (formerly Invitae), Labcorp
Classification: Likely benign. Last evaluated: 2018-08-11. Review status: criteria provided, single submitter. Criteria: Invitae Variant Classification Sherloc (09022015). Collection method: clinical testing. Allele origin: germline.

Clinical Genomics, Uppaluri K&H Personalized Medicine Clinic
Classification: Uncertain significance for Transitory neonatal diabetes mellitus. Review status: criteria provided, single submitter. Criteria: K & H Uppaluri Personalized Medicine Clinic Variant Classification & Assertion Criteria_Updated V.1. Collection method: research. Allele origin: unknown. Inheritance: Somatic mutation.
Comment: Mutations in ABCC8 gene are associated with both neonatal diabetes mellitus as well as MODY. Patients with this mutation may have a better response to sulfonylureas. However, no sufficient evidence is found to ascertain the role of this particular variant ( rs1216809389) in neonatal diabetes yet.

Clinical Genomics, Uppaluri K&H Personalized Medicine Clinic
Classification: Uncertain significance for Maturity-onset diabetes of the young. Review status: criteria provided, single submitter. Criteria: K & H Uppaluri Personalized Medicine Clinic Variant Classification & Assertion Criteria_Updated V.1. Collection method: research. Allele origin: unknown. Inheritance: Somatic mutation.
Comment: Mutations in ABCC8 gene are associated with both neonatal diabetes mellitus as well as MODY. Patients with this mutation may have a better response to sulfonylureas. However, no sufficient evidence is found to ascertain the role of this particular variant ( rs1216809389) in MODY yet.

Literature cited by the submitters: PubMed 16885549 (cited by Clinical Genomics, Uppaluri K&H Personalized Medicine Clinic); PubMed 21989597 (cited by Clinical Genomics, Uppaluri K&H Personalized Medicine Clinic); PubMed 27538677 (cited by Clinical Genomics, Uppaluri K&H Personalized Medicine Clinic); PubMed 18981553 (cited by Clinical Genomics, Uppaluri K&H Personalized Medicine Clinic); PubMed 32027066 (cited by Clinical Genomics, Uppaluri K&H Personalized Medicine Clinic); PubMed 16613899 (cited by Clinical Genomics, Uppaluri K&H Personalized Medicine Clinic); PubMed 18025408 (cited by Clinical Genomics, Uppaluri K&H Personalized Medicine Clinic); PubMed 32792356 (cited by Clinical Genomics, Uppaluri K&H Personalized Medicine Clinic).